The following is an entry in ClinVar:

NM_000094.4(COL7A1):c.6028G>A (p.Asp2010Asn)

Gene: COL7A1 (collagen type VII alpha 1 chain; minus strand). Cytogenetic location: 3p21.31.
Variant type: single nucleotide variant.
Coding change: c.6028G>A on transcript NM_000094.4 (MANE Select); coding-DNA position 6028, G replaced by A.
Protein change: p.Asp2010Asn; replaces aspartic acid 2010 with asparagine.
Molecular consequence: missense variant.
Genome position (GRCh38, 1-based): chr3:48,575,491, C>T on the plus strand (G>A on the coding strand, the complement: COL7A1 is on the minus strand). VCF-style: chr3-48575491-C-T. GRCh37 (hg19) VCF-style: chr3-48612924-C-T.
Other names: c.6028G>A (NM_000094.3); short protein forms D2010N.
Identifiers: ClinVar variation 1492122 (VCV001492122.8), dbSNP rs753702106, ClinGen allele CA2379209.

ClinVar aggregate classification (germline): Uncertain significance. Review status: criteria provided, multiple submitters, no conflicts (2 of 4 stars). 2 submissions from 2 submitters: Uncertain significance (2). Last evaluated 2025-02-14.

Conditions:
Inborn genetic diseases. Identifiers: MedGen C0950123, MeSH D030342.

Allele frequency attached by ClinVar (database versions not stated): gnomAD exomes below 0.00001 and 0.00001; ExAC 0.00001.
gnomAD v4.1: 4 of 1,612,380 alleles (0.00025%); highest among the groups gnomAD compares: South Asian, 0.0044%; no homozygotes.

Submissions (2):

Ambry Genetics
Classification: Uncertain significance for Inborn genetic diseases. Last evaluated: 2025-02-14. Review status: criteria provided, single submitter. Criteria: Ambry Variant Classification Scheme 2023. Collection method: clinical testing. Allele origin: germline.

Labcorp Genetics (formerly Invitae), Labcorp
Classification: Uncertain significance. Last evaluated: 2024-10-22. Review status: criteria provided, single submitter. Criteria: Invitae Variant Classification Sherloc (09022015). Collection method: clinical testing. Allele origin: germline.
Comment: This sequence change replaces aspartic acid, which is acidic and polar, with asparagine, which is neutral and polar, at codon 2010 of the COL7A1 protein (p.Asp2010Asn). This variant is present in population databases (rs753702106, gnomAD 0.007%). This variant has not been reported in the literature in individuals affected with COL7A1-related conditions. ClinVar contains an entry for this variant (Variation ID: 1492122). Invitae Evidence Modeling of protein sequence and biophysical properties (such as structural, functional, and spatial information, amino acid conservation, physicochemical variation, residue mobility, and thermodynamic stability) has been performed for this missense variant. However, the output from this modeling did not meet the statistical confidence thresholds required to predict the impact of this variant on COL7A1 protein function. In summary, the available evidence is currently insufficient to determine the role of this variant in disease. Therefore, it has been classified as a Variant of Uncertain Significance.